The following is an entry in ClinVar:

NM_000548.5(TSC2):c.336+385C>G

Gene: TSC2 (TSC complex subunit 2; plus strand). Cytogenetic location: 16p13.3.
Variant type: single nucleotide variant.
Coding change: c.336+385C>G on transcript NM_000548.5 (MANE Select); 385 bases into the intron after coding-DNA position 336, C replaced by G.
Molecular consequence: intron variant.
Genome position (GRCh38, 1-based): chr16:2,053,837, C>G. VCF-style: chr16-2053837-C-G. GRCh37 (hg19) VCF-style: chr16-2103838-C-G.
Other names: c.336+385C>G (NM_001114382.3, NM_021055.3, NM_001370405.1 and 3 more transcripts); c.226-459C>G (NM_001318827.2); c.-1-2359C>G (NM_001318831.2); c.189+385C>G (NM_001318829.2); c.369+385C>G (NM_001318832.2).
Identifiers: ClinVar variation 133430 (VCV000133430.1), dbSNP rs587778009, ClinGen allele CA019001.

ClinVar aggregate classification (germline): not provided (0 of 4 stars; one submission).

Allele frequency attached by ClinVar (database versions not stated): ExAC below 0.00001; gnomAD exomes 0.00008 and 0.00013; gnomAD 0.00009 and 0.00010; TOPMed 0.00017.

Submission:

ITMI
No classification provided. Condition: AllHighlyPenetrant. Last evaluated: 2013-09-19. Review status: no classification provided. Collection method: reference population. Allele origin: germline.
Comment: Please see associated publication for description of ethnicities

Literature cited by the submitters: PubMed 24728327.